The following is an entry in ClinVar:

NM_000531.6(OTC):c.731_739del (p.Leu244_Thr247delinsPro)

Gene: OTC (ornithine transcarbamylase; plus strand). Cytogenetic location: Xp11.4.
Variant type: Deletion.
Coding change: c.731_739del on transcript NM_000531.6 (MANE Select); coding-DNA positions 731 to 739, 9 bases deleted (TGTTGCTGA; older notation c.731_739delTGTTGCTGA).
Protein change: p.Leu244_Thr247delinsPro.
Molecular consequence: inframe indel.
Genome position (GRCh38, 1-based): chrX:38,408,889-38,408,897, TGTTGCTGA deleted. VCF-style (leftmost placement, unchanged base first): chrX-38408888-CTGTTGCTGA-C. GRCh37 (hg19) VCF-style: chrX-38268141-CTGTTGCTGA-C.
Identifiers: ClinVar variation 97307 (VCV000097307.2), dbSNP rs72558438, ClinGen allele CA224765.
Genomic context (GRCh38, chrX:38,408,888, plus strand): 5'-TTTTACTGTCCCATGAAGTTATTTAACCAGCGTGTTTATGTATGCTAGAATGGTACCAAG[CTGTTGCTGA>C]CAAATGATCCATTGGAAGCAGCGCATGGAGGCAATGTATTAATTACAGACACTTGGATAA-3'

ClinVar aggregate classification (germline): Pathogenic (0 of 4 stars; one submission).

Submission:

GenMed Metabolism Lab
Classification: Pathogenic. Review status: no assertion criteria provided. Collection method: not provided. Allele origin: unknown.
ClinVar note: Converted during submission from pathogenic to Pathogenic.